The following is an entry in ClinVar:

ClinVar aggregate classification (germline): Uncertain significance (1 of 4 stars; one submission).

Conditions:
Primary ciliary dyskinesia. Also called: Ciliary dyskinesia. Identifiers: Orphanet 244, MedGen C0008780, MONDO:0016575, HP:0012265.

Submission:

Labcorp Genetics (formerly Invitae), Labcorp
Classification: Uncertain significance for Primary ciliary dyskinesia. Last evaluated: 2022-01-19. Review status: criteria provided, single submitter. Criteria: Invitae Variant Classification Sherloc (09022015). Collection method: clinical testing. Allele origin: germline.
Comment: In summary, the available evidence is currently insufficient to determine the role of this variant in disease. Therefore, it has been classified as a Variant of Uncertain Significance. This variant has not been reported in the literature in individuals affected with DNAH5-related conditions. This variant results in a copy number gain of the genomic region encompassing exon(s) 62-79 of the DNAH5 gene. This region includes the termination codon of the gene. This copy number gain extends beyond the assayed region for this gene and therefore may encompass additional genes. As the precise location of this event is unknown, it may be in tandem or it may be located elsewhere in the genome.

NC_000005.9:g.(?_13692093)_(13754467_?)dup

Gene: DNAH5 (dynein axonemal heavy chain 5; minus strand). Cytogenetic location: 5p15.2.
Variant type: Duplication.
Identifiers: ClinVar variation 2424139 (VCV002424139.12).